The following is an entry in ClinVar:

NC_000016.9:g.(?_57769681)_(57791157_?)dup

Gene: KATNB1 (katanin regulatory subunit B1; plus strand). Cytogenetic location: 16q21.
Variant type: Duplication.
Identifiers: ClinVar variation 4688628 (VCV004688628.1).

ClinVar aggregate classification (germline): Uncertain significance (1 of 4 stars; one submission).

Submission:

Women's Health and Genetics/Laboratory Corporation of America, LabCorp
Classification: Uncertain significance. Last evaluated: 2025-12-03. Review status: criteria provided, single submitter. Criteria: LabCorp Variant Classification Summary - May 2015. Collection method: clinical testing. Allele origin: germline.
Comment: Variant summary: The variant involves the duplication of exons 1-20 in the KATNB1 gene. A presumed nomenclature of c.(?_-353)_(*299_?)dup has been designated for the purposes of this classification. This duplication includes the entire coding sequence of the gene. As exact breakpoints are unknown, it may extend beyond the annotated region of the gene, to include other flanking genes. The variant was absent in 21692 control chromosomes. The available data on variant occurrences in the general population are insufficient to allow any conclusion about variant significance. To our knowledge, no occurrence of c.(?_-353)_(*299_?)dup in individuals affected with KATNB1-related conditions and no experimental evidence demonstrating its impact on protein function have been reported. No submitters have cited clinical-significance assessments for this variant to ClinVar. Based on the evidence outlined above, the variant was classified as uncertain significance.